The following is an entry in ClinVar:

ClinVar aggregate classification (germline): Uncertain significance (1 of 4 stars; one submission).

Conditions:
MYH9-related disorder. Identifiers: MedGen C1854520.

gnomAD v4.1: 11 of 1,603,010 alleles (0.00069%); highest among the groups gnomAD compares: East Asian, 0.0022%; no homozygotes.

Submission:

PreventionGenetics, part of Exact Sciences
Classification: Uncertain significance for MYH9-related condition. Last evaluated: 2025-11-13. Review status: criteria provided, single submitter. Criteria: ACMG Guidelines, 2015. Collection method: clinical testing. Allele origin: germline.
Comment: The MYH9 c.2163T>C variant is not predicted to result in an amino acid change (p.=). This variant has been reported in a cohort study about liver dysfunction (Table S2, Yuan et al. 2024. PubMed ID: 38862964). This variant is reported in 0.0054% of alleles in individuals of East Asian descent in gnomAD. At this time, the clinical significance of this variant is uncertain due to the absence of conclusive functional and genetic evidence.

NM_002473.6(MYH9):c.2163T>C (p.Tyr721=)

Gene: MYH9 (myosin heavy chain 9; minus strand). Cytogenetic location: 22q12.3.
Variant type: single nucleotide variant.
Coding change: c.2163T>C on transcript NM_002473.6 (MANE Select); coding-DNA position 2163, T replaced by C.
Protein change: p.Tyr721=; no amino-acid change (tyrosine 721 retained).
Molecular consequence: synonymous variant.
Genome position (GRCh38, 1-based): chr22:36,305,099, A>G on the plus strand (T>C on the coding strand, the complement: MYH9 is on the minus strand). VCF-style: chr22-36305099-A-G. GRCh37 (hg19) VCF-style: chr22-36701145-A-G.
Identifiers: ClinVar variation 4998991 (VCV004998991.1).
Genomic context (GRCh38, chr22:36,305,099, plus strand): 5'-CACGCACGCCTGCTTCCCGTCCATGAAACCCTTGGGAATGGAGTTTGGAGTCAGGATCTC[A>G]TATCTGAGGAAGGAAAGAGAAGCCTGGTCATTTTACCCATTGCCTCGATTCCACATGCCT-3'
Protein context (NP_002464.1, residues 711-731): RVVFQEFRQR[Tyr721=]EILTPNSIPK